The following is an entry in ClinVar:

NC_000008.11:g.(?_31150341)_(31157530_?)del

Gene: WRN (WRN RecQ like helicase; plus strand). Cytogenetic location: 8p12.
Variant type: Deletion.
Identifiers: ClinVar variation 417322 (VCV000417322.1).

ClinVar aggregate classification (germline): Pathogenic (1 of 4 stars; one submission).

Conditions:
Werner syndrome (WRN). Identifiers: Orphanet 902, MedGen C0043119, MONDO:0010196, OMIM 277700.

Submission:

Labcorp Genetics (formerly Invitae), Labcorp
Classification: Pathogenic for Werner syndrome. Last evaluated: 2016-11-23. Review status: criteria provided, single submitter. Criteria: Invitae Variant Classification Sherloc (09022015). Collection method: clinical testing. Allele origin: germline.
Comment: This variant is a gross deletion of the genomic region encompassing exons 31-33 of the WRN gene. This creates a premature translational stop signal and is expected to result in an absent or disrupted protein product. While this particular variant has not been reported in the literature, loss-of-function variants in WRN are known to be pathogenic (PMID: 16673358). For these reasons, this variant has been classified as Pathogenic.